The following is an entry in ClinVar:

ClinVar aggregate classification (germline): Uncertain significance (1 of 4 stars; one submission).

gnomAD v4.1: 1 of 1,614,168 alleles (0.000062%); highest among the groups gnomAD compares: East Asian, 0.0022%; no homozygotes.

Submission:

Ambry Genetics
Classification: Uncertain significance. Last evaluated: 2025-01-05. Review status: criteria provided, single submitter. Criteria: Ambry Variant Classification Scheme 2023. Collection method: clinical testing. Allele origin: germline.
Comment: The p.L594F variant (also known as c.1780C>T), located in coding exon 9 of the ATRIP gene, results from a C to T substitution at nucleotide position 1780. The leucine at codon 594 is replaced by phenylalanine, an amino acid with highly similar properties. This amino acid position is conserved. In addition, the in silico prediction for this alteration is inconclusive. Based on the available evidence, the clinical significance of this variant remains unclear.

NM_130384.3(ATRIP):c.1780C>T (p.Leu594Phe)

Genes: ATRIP (ATR interacting protein; plus strand), ATRIP-TREX1 (ATRIP-TREX1 readthrough; plus strand). Cytogenetic location: 3p21.31.
Variant type: single nucleotide variant.
Coding change: c.1780C>T on transcript NM_130384.3 (MANE Select); coding-DNA position 1780, C replaced by T.
Protein change: p.Leu594Phe; replaces leucine 594 with phenylalanine.
Molecular consequence: missense variant. On other transcripts: non-coding transcript variant (1).
Genome position (GRCh38, 1-based): chr3:48,463,779, C>T. VCF-style: chr3-48463779-C-T. GRCh37 (hg19) VCF-style: chr3-48505178-C-T.
Other names: c.1399C>T, p.Leu467Phe (NM_001271022.2); c.1501C>T, p.Leu501Phe (NM_001271023.2); c.1780C>T, p.Leu594Phe (NM_032166.4); short protein forms L501F, L467F, L594F.
Identifiers: ClinVar variation 3809611 (VCV003809611.1).